The following is an entry in ClinVar:

ClinVar aggregate classification (germline): Uncertain significance. Review status: criteria provided, multiple submitters, no conflicts (2 of 4 stars). 2 submissions from 2 submitters: Uncertain significance (2). Last evaluated 2024-10-23.

Conditions:
Hereditary cancer-predisposing syndrome. Also called: Neoplastic Syndromes, Hereditary; Tumor predisposition; Hereditary Cancer Syndrome; Hereditary neoplastic syndrome. Identifiers: Orphanet 140162, MedGen C0027672, MeSH D009386, MONDO:0015356.
Oligodontia-cancer predisposition syndrome. Also called: TOOTH AGENESIS-COLORECTAL CANCER SYNDROME. Identifiers: Orphanet 300576, MedGen C1837750, MONDO:0012075, OMIM 608615. Disease mechanism: loss of function.

Submissions (2):

Ambry Genetics
Classification: Uncertain significance for Hereditary cancer-predisposing syndrome. Last evaluated: 2024-10-23. Review status: criteria provided, single submitter. Criteria: Ambry Variant Classification Scheme 2023. Collection method: clinical testing. Allele origin: germline.
Comment: The c.1588_1590delGAG variant (also known as p.E530del) is located in coding exon 5 of the AXIN2 gene. This variant results from an in-frame GAG deletion at nucleotide positions 1588 to 1590. This results in the in-frame deletion of a glutamic acid at codon 530. This amino acid position is not well conserved in available vertebrate species. In addition, this alteration is predicted to be deleterious by in silico analysis (Choi Y et al. PLoS ONE. 2012; 7(10):e46688). Since supporting evidence is limited at this time, the clinical significance of this alteration remains unclear.

Labcorp Genetics (formerly Invitae), Labcorp
Classification: Uncertain significance for Oligodontia-cancer predisposition syndrome. Last evaluated: 2024-06-10. Review status: criteria provided, single submitter. Criteria: Invitae Variant Classification Sherloc (09022015). Collection method: clinical testing. Allele origin: germline.
Comment: This variant, c.1588_1590del, results in the deletion of 1 amino acid(s) of the AXIN2 protein (p.Glu530del), but otherwise preserves the integrity of the reading frame. This variant is not present in population databases (gnomAD no frequency). This variant has not been reported in the literature in individuals affected with AXIN2-related conditions. ClinVar contains an entry for this variant (Variation ID: 1775837). In summary, the available evidence is currently insufficient to determine the role of this variant in disease. Therefore, it has been classified as a Variant of Uncertain Significance.

NM_004655.4(AXIN2):c.1585GAG[1] (p.Glu530del)

Gene: AXIN2 (axin 2; minus strand). Cytogenetic location: 17q24.1.
Variant type: Microsatellite.
Coding change: c.1585GAG[1] on transcript NM_004655.4 (MANE Select); one copy of the 3-base unit GAG starting at c.1585; the reference has two copies in a row; one copy, 3 bases deleted.
Protein change: p.Glu530del; deletes glutamic acid 530.
Molecular consequence: inframe deletion. On other transcripts: inframe indel (2).
Genome position (GRCh38, 1-based): chr17:65,537,446-65,537,448, CTC deleted on the plus strand (GAG on the coding strand, the reverse complement: AXIN2 is on the minus strand); deleting any 3 consecutive bases within chr17:65,537,446-65,537,453 gives the same sequence; the position shown is the placement nearest the transcript's 3' end. VCF-style (leftmost placement, unchanged base first): chr17-65537445-TCTC-T. GRCh37 (hg19) VCF-style: chr17-63533563-TCTC-T.
Other names: c.1585GAG[1], p.Glu530del (NM_001363813.1); c.1583_1585AGG[1], p.Glu530del (NM_004655.3); c.1588_1590delGAG (NM_004655.3); short protein forms E530del.
Identifiers: ClinVar variation 1775837 (VCV001775837.8), dbSNP rs2509412647, ClinGen allele CA2576361482.